The following is an entry in ClinVar:

NM_020877.5(DNAH2):c.6837C>T (p.Pro2279=)

Gene: DNAH2 (dynein axonemal heavy chain 2; plus strand). Cytogenetic location: 17p13.1.
Variant type: single nucleotide variant.
Coding change: c.6837C>T on transcript NM_020877.5 (MANE Select); coding-DNA position 6837, C replaced by T.
Protein change: p.Pro2279=; no amino-acid change (proline 2279 retained).
Molecular consequence: synonymous variant.
Genome position (GRCh38, 1-based): chr17:7,788,181, C>T. VCF-style: chr17-7788181-C-T. GRCh37 (hg19) VCF-style: chr17-7691499-C-T.
Identifiers: ClinVar variation 3388991 (VCV003388991.14).

ClinVar aggregate classification (germline): Likely benign (1 of 4 stars; one submission).

gnomAD v4.1: 424 of 1,612,722 alleles (0.026%); highest among the groups gnomAD compares: South Asian, 0.42%; 2 homozygotes.

Submission:

CeGaT Center for Human Genetics Tuebingen
Classification: Likely benign. Last evaluated: 2025-01-01. Review status: criteria provided, single submitter. Criteria: CeGaT Center For Human Genetics Tuebingen Variant Classification Criteria Version 2. Collection method: clinical testing. Allele origin: germline. Affected: yes. Observed: 1 variant allele.
Comment: DNAH2: BP4, BP7